The following is an entry in ClinVar:

NM_000530.8(MPZ):c.34C>G (p.Pro12Ala)

Gene: MPZ (myelin protein zero; minus strand). Cytogenetic location: 1q23.3.
Variant type: single nucleotide variant.
Coding change: c.34C>G on transcript NM_000530.8 (MANE Select); coding-DNA position 34, C replaced by G.
Protein change: p.Pro12Ala; replaces proline 12 with alanine.
Molecular consequence: missense variant.
Genome position (GRCh38, 1-based): chr1:161,309,872, G>C on the plus strand (C>G on the coding strand, the complement: MPZ is on the minus strand). VCF-style: chr1-161309872-G-C. GRCh37 (hg19) VCF-style: chr1-161279662-G-C.
Other names: c.34C>G, p.Pro12Ala (NM_001315491.2); short protein forms P12A.
Identifiers: ClinVar variation 2089982 (VCV002089982.4), dbSNP rs1281869273, ClinGen allele CA343353088.

ClinVar aggregate classification (germline): Uncertain significance (1 of 4 stars; one submission).

Conditions:
Charcot-Marie-Tooth disease, type I (CMT1). Also called: Charcot-Marie-Tooth disease type 1; Charcot-Marie-Tooth, Type 1. Identifiers: Orphanet 65753, MedGen C0751036, MONDO:0019011.

Submission:

Labcorp Genetics (formerly Invitae), Labcorp
Classification: Uncertain significance for Charcot-Marie-Tooth disease, type I. Last evaluated: 2022-01-26. Review status: criteria provided, single submitter. Criteria: Invitae Variant Classification Sherloc (09022015). Collection method: clinical testing. Allele origin: germline.
Comment: This sequence change replaces proline, which is neutral and non-polar, with alanine, which is neutral and non-polar, at codon 12 of the MPZ protein (p.Pro12Ala). This variant is present in population databases (no rsID available, gnomAD 0.004%). This variant has not been reported in the literature in individuals affected with MPZ-related conditions. Algorithms developed to predict the effect of missense changes on protein structure and function are either unavailable or do not agree on the potential impact of this missense change (SIFT: "Tolerated"; PolyPhen-2: "Not Available"; Align-GVGD: "Class C0"). In summary, the available evidence is currently insufficient to determine the role of this variant in disease. Therefore, it has been classified as a Variant of Uncertain Significance.